The following is an entry in ClinVar:

NM_002439.5(MSH3):c.2383C>T (p.Leu795Phe)

Gene: MSH3 (mutS homolog 3; plus strand). Cytogenetic location: 5q14.1.
Variant type: single nucleotide variant.
Coding change: c.2383C>T on transcript NM_002439.5 (MANE Select); coding-DNA position 2383, C replaced by T.
Protein change: p.Leu795Phe; replaces leucine 795 with phenylalanine.
Molecular consequence: missense variant.
Genome position (GRCh38, 1-based): chr5:80,778,784, C>T. VCF-style: chr5-80778784-C-T. GRCh37 (hg19) VCF-style: chr5-80074603-C-T.
Other names: short protein forms L795F.
Identifiers: ClinVar variation 1051778 (VCV001051778.13), dbSNP rs768661033, ClinGen allele CA3328235.

ClinVar aggregate classification (germline): Uncertain significance. Review status: criteria provided, multiple submitters, no conflicts (2 of 4 stars). 5 submissions from 5 submitters: Uncertain significance (5). Last evaluated 2025-12-31.

Conditions:
Familial adenomatous polyposis 4 (FAP4). Also called: MSH3-related attenuated familial adenomatous polyposis. Identifiers: Orphanet 480536, MedGen C4310719, MONDO:0044300, OMIM 617100.
Hereditary cancer-predisposing syndrome. Also called: Tumor predisposition; Hereditary neoplastic syndrome; Hereditary Cancer Syndrome; Neoplastic Syndromes, Hereditary. Identifiers: Orphanet 140162, MedGen C0027672, MeSH D009386, MONDO:0015356.
Endometrial carcinoma. Also called: Endometrial carcinoma, somatic. Identifiers: MedGen C0476089, MONDO:0002447, OMIM 608089, HP:0012114.

Allele frequency attached by ClinVar (database versions not stated): gnomAD exomes 0.00001; ExAC 0.00002.
gnomAD v4.1: 11 of 1,613,230 alleles (0.00068%); highest among the groups gnomAD compares: South Asian, 0.0055%; no homozygotes.

Submissions (5):

Labcorp Genetics (formerly Invitae), Labcorp
Classification: Uncertain significance. Last evaluated: 2025-12-31. Review status: criteria provided, single submitter. Criteria: Invitae Variant Classification Sherloc (09022015). Collection method: clinical testing. Allele origin: germline.
Comment: This sequence change replaces leucine, which is neutral and non-polar, with phenylalanine, which is neutral and non-polar, at codon 795 of the MSH3 protein (p.Leu795Phe). This variant is present in population databases (rs768661033, gnomAD 0.006%). This variant has not been reported in the literature in individuals affected with MSH3-related conditions. ClinVar contains an entry for this variant (Variation ID: 1051778). An algorithm developed to predict the effect of missense changes on protein structure and function (PolyPhen-2) suggests that this variant is likely to be disruptive. In summary, the available evidence is currently insufficient to determine the role of this variant in disease. Therefore, it has been classified as a Variant of Uncertain Significance.

Center for Genomic Medicine, Rigshospitalet, Copenhagen University Hospital
Classification: Uncertain significance. Last evaluated: 2025-03-04. Review status: criteria provided, single submitter. Criteria: ACMG Guidelines, 2015. Collection method: clinical testing. Allele origin: germline.

Ambry Genetics
Classification: Uncertain significance for Hereditary cancer-predisposing syndrome. Last evaluated: 2024-07-12. Review status: criteria provided, single submitter. Criteria: Ambry Variant Classification Scheme 2023. Collection method: clinical testing. Allele origin: germline.
Comment: The p.L795F variant (also known as c.2383C>T), located in coding exon 17 of the MSH3 gene, results from a C to T substitution at nucleotide position 2383. The leucine at codon 795 is replaced by phenylalanine, an amino acid with highly similar properties. This amino acid position is highly conserved in available vertebrate species. In addition, this alteration is predicted to be deleterious by in silico analysis. Since supporting evidence is limited at this time, the clinical significance of this alteration remains unclear.

Baylor Genetics
Classification: Uncertain significance for Endometrial carcinoma. Last evaluated: 2023-09-11. Review status: criteria provided, single submitter. Criteria: ACMG Guidelines, 2015. Collection method: clinical testing. Allele origin: unknown.

Department of Pathology and Laboratory Medicine, Sinai Health System
Classification: Uncertain significance for Familial adenomatous polyposis 4. Last evaluated: 2022-02-11. Review status: criteria provided, single submitter. Criteria: ACMG Guidelines, 2015. Collection method: clinical testing. Allele origin: germline. Affected: yes.